The following is an entry in ClinVar:

ClinVar aggregate classification (germline): Pathogenic/Likely pathogenic. Review status: criteria provided, multiple submitters, no conflicts (2 of 4 stars). 2 submissions from 2 submitters: Pathogenic (1); Likely pathogenic (1). Last evaluated 2020-10-08.

Conditions:
Episodic ataxia type 2 (EA2). Also called: CEREBELLAR ATAXIA, PAROXYSMAL, ACETAZOLAMIDE-RESPONSIVE; CEREBELLOPATHY, HEREDITARY PAROXYSMAL; EPISODIC ATAXIA, NYSTAGMUS-ASSOCIATED; ATAXIA, EPISODIC, WITH NYSTAGMUS; ATAXIA, FAMILIAL PAROXYSMAL; ACETAZOLAMIDE-RESPONSIVE HEREDITARY PAROXYSMAL CEREBELLAR ATAXIA. Identifiers: Orphanet 97, MedGen C1720416, MONDO:0007163, OMIM 108500.
Developmental and epileptic encephalopathy, 42 (DEE42A). Also called: Epileptic encephalopathy, early infantile, 42; DEVELOPMENTAL AND EPILEPTIC ENCEPHALOPATHY 42A; EPILEPTIC ENCEPHALOPATHY, EARLY INFANTILE, 42A. Identifiers: MedGen C4310716, MONDO:0014917, OMIM 617106.

Submissions (2):

Institute of Human Genetics, University of Leipzig Medical Center
Classification: Likely pathogenic for Episodic ataxia type 2. Last evaluated: 2020-10-08. Review status: criteria provided, single submitter. Criteria: ACMG Guidelines, 2015. Collection method: clinical testing. Allele origin: unknown. Affected: yes.

Labcorp Genetics (formerly Invitae), Labcorp
Classification: Pathogenic for Developmental and epileptic encephalopathy, 42; Episodic ataxia type 2. Last evaluated: 2018-09-17. Review status: criteria provided, single submitter. Criteria: Invitae Variant Classification Sherloc (09022015). Collection method: clinical testing. Allele origin: germline.
Comment: This variant has not been reported in the literature in individuals with CACNA1A-related disease. This variant is not present in population databases (ExAC no frequency). This sequence change creates a premature translational stop signal (p.Gln1687*) in the CACNA1A gene. It is expected to result in an absent or disrupted protein product. Loss-of-function variants in CACNA1A are known to be pathogenic (PMID: 10371528, 19486177, 25735478, 27250579). For these reasons, this variant has been classified as Pathogenic.

Literature cited by the submitters: PubMed 10371528 (cited by Labcorp Genetics (formerly Invitae), Labcorp); PubMed 19486177 (cited by Labcorp Genetics (formerly Invitae), Labcorp); PubMed 25735478 (cited by Labcorp Genetics (formerly Invitae), Labcorp); PubMed 27250579 (cited by Labcorp Genetics (formerly Invitae), Labcorp).

NM_001127222.2(CACNA1A):c.5056C>T (p.Gln1686Ter)

Gene: CACNA1A (calcium voltage-gated channel subunit alpha1 A; minus strand). Cytogenetic location: 19p13.13.
Variant type: single nucleotide variant.
Coding change: c.5056C>T on transcript NM_001127222.2 (MANE Select); coding-DNA position 5056, C replaced by T.
Protein change: p.Gln1686Ter; replaces glutamine 1686 with a stop codon.
Molecular consequence: nonsense.
Genome position (GRCh38, 1-based): chr19:13,235,625, G>A on the plus strand (C>T on the coding strand, the complement: CACNA1A is on the minus strand). VCF-style: chr19-13235625-G-A. GRCh37 (hg19) VCF-style: chr19-13346439-G-A.
Other names: c.5074C>T, p.Gln1692Ter (NM_000068.4, NM_023035.3); c.5059C>T, p.Gln1687Ter (NM_001127221.2); c.5065C>T, p.Gln1689Ter (NM_001174080.2); c.5074C>T (NM_023035.2); short protein forms Q1687*, Q1692*, Q1689*, Q1686*.
Identifiers: ClinVar variation 660390 (VCV000660390.8), dbSNP rs1600139781, ClinGen allele CA404336577.